The following is an entry in ClinVar:

ClinVar aggregate classification (germline): Conflicting classifications of pathogenicity. Review status: criteria provided, conflicting classifications (1 of 4 stars). 6 submissions from 6 submitters: Uncertain significance (2); Likely benign (1). 3 of the submissions do not count toward it. Last evaluated 2025-04-30.

Conditions:
Cardiovascular phenotype. Identifiers: MedGen CN230736.
Dilated cardiomyopathy 1G (CMD1G). Identifiers: Orphanet 154, MedGen C1858763, MONDO:0011400, OMIM 604145.
Tibial muscular dystrophy (TMD). Also called: UDD MYOPATHY; Udd Distal Myopathy – Tibial Muscular Dystrophy; Tibial muscular dystrophy, tardive. Identifiers: Orphanet 609, MedGen C1838244, MONDO:0010870, OMIM 600334.
Early-onset myopathy with fatal cardiomyopathy (CMYO5). Also called: Salih Myopathy; CONGENITAL MYOPATHY 5 WITH CARDIOMYOPATHY. Identifiers: Orphanet 289377, MedGen C2673677, MONDO:0012714, OMIM 611705. Disease mechanism: loss of function.
Autosomal recessive limb-girdle muscular dystrophy type 2J (LGMDR10). Also called: Limb-girdle muscular dystrophy, type 2J; MUSCULAR DYSTROPHY, LIMB-GIRDLE, AUTOSOMAL RECESSIVE 10. Identifiers: Orphanet 140922, MedGen C1837342, MONDO:0012127, OMIM 608807.
Hypertrophic cardiomyopathy 9. Also called: Familial hypertrophic cardiomyopathy 9. Identifiers: MedGen C1861065, MONDO:0013412, OMIM 613765.
Myopathy, myofibrillar, 9, with early respiratory failure (MFM9). Also called: Hereditary myopathy with early respiratory failure; EDSTROM MYOPATHY; MYOPATHY, PROXIMAL, WITH EARLY RESPIRATORY MUSCLE INVOLVEMENT; Myopathy, distal, with early respiratory failure, autosomal dominant. Identifiers: Orphanet 178464, Orphanet 34521, MedGen C1863599, MONDO:0011362, OMIM 603689.

Allele frequency attached by ClinVar (database versions not stated): gnomAD exomes 0.00001; TOPMed 0.00002; gnomAD 0.00003.
gnomAD v4.1: 18 of 1,613,854 alleles (0.0011%); highest among the groups gnomAD compares: East Asian, 0.0022%; no homozygotes.

Submissions (6):

GeneDx
Classification: Uncertain significance. Last evaluated: 2025-04-30. Review status: criteria provided, single submitter. Criteria: GeneDx Variant Classification Process June 2021. Collection method: clinical testing. Allele origin: germline. Affected: yes.
Comment: Not observed at significant frequency in large population cohorts (gnomAD); Missense variant in a gene in which most reported pathogenic variants are truncating/loss of function; Has not been previously published as pathogenic or benign to our knowledge

Ambry Genetics
Classification: Likely benign for Cardiovascular phenotype. Last evaluated: 2021-08-05. Review status: criteria provided, single submitter. Criteria: Ambry Variant Classification Scheme 2023. Collection method: clinical testing. Allele origin: germline.

Fulgent Genetics
Classification: Uncertain significance for Tibial muscular dystrophy; Myopathy, myofibrillar, 9, with early respiratory failure; Dilated cardiomyopathy 1G; Autosomal recessive limb-girdle muscular dystrophy type 2J; Early-onset myopathy with fatal cardiomyopathy; Hypertrophic cardiomyopathy 9. Last evaluated: 2021-08-05. Review status: criteria provided, single submitter. Criteria: ACMG Guidelines, 2015. Collection method: clinical testing. Allele origin: unknown.

Clinical Genetics, Academic Medical Center
Classification: Uncertain significance. Review status: no assertion criteria provided. Collection method: clinical testing. Allele origin: germline. Affected: yes. Study: VKGL Data-share Consensus. Not counted in ClinVar's aggregate classification.

Diagnostic Laboratory, Department of Genetics, University Medical Center Groningen
Classification: Uncertain significance. Review status: no assertion criteria provided. Collection method: clinical testing. Allele origin: germline. Affected: yes. Study: VKGL Data-share Consensus. Not counted in ClinVar's aggregate classification.

Genome Diagnostics Laboratory, University Medical Center Utrecht
Classification: Uncertain significance. Review status: no assertion criteria provided. Collection method: clinical testing. Allele origin: germline. Affected: yes. Study: VKGL Data-share Consensus. Not counted in ClinVar's aggregate classification.

NM_001267550.2(TTN):c.87815A>G (p.Tyr29272Cys)

Genes: TTN-AS1 (TTN antisense RNA 1; plus strand), TTN (titin; minus strand). Cytogenetic location: 2q31.2.
Variant type: single nucleotide variant.
Coding change: c.87815A>G on transcript NM_001267550.2 (MANE Select); coding-DNA position 87815, A replaced by G.
Protein change: p.Tyr29272Cys; replaces tyrosine 29272 with cysteine.
Molecular consequence: missense variant.
Genome position (GRCh38, 1-based): chr2:178,557,447, T>C on the plus strand (A>G on the coding strand, the complement: TTN is on the minus strand). VCF-style: chr2-178557447-T-C. GRCh37 (hg19) VCF-style: chr2-179422174-T-C.
Other names: c.82892A>G, p.Tyr27631Cys (NM_001256850.1); c.60620A>G, p.Tyr20207Cys (NM_003319.4); c.80111A>G, p.Tyr26704Cys (NM_133378.4); c.60995A>G, p.Tyr20332Cys (NM_133432.3); c.61196A>G, p.Tyr20399Cys (NM_133437.4); c.87815A>G (NM_001267550.1); short protein forms Y20207C, Y29272C, Y20399C, Y20332C, Y27631C, Y26704C.
Identifiers: ClinVar variation 264210 (VCV000264210.10), dbSNP rs886039083, ClinGen allele CA10587459.